The following is an entry in ClinVar:

ClinVar aggregate classification (germline): Pathogenic (1 of 4 stars; one submission).

Submission:

Labcorp Genetics (formerly Invitae), Labcorp
Classification: Pathogenic. Last evaluated: 2025-06-10. Review status: criteria provided, single submitter. Criteria: Invitae Variant Classification Sherloc (09022015). Collection method: clinical testing. Allele origin: germline.
Comment: This sequence change creates a premature translational stop signal (p.Arg587Alafs*43) in the ABCA1 gene. It is expected to result in an absent or disrupted protein product. Loss-of-function variants in ABCA1 are known to be pathogenic (PMID: 10525055, 10760292, 20880529). This variant is present in population databases (no rsID available, gnomAD 0.007%). This premature translational stop signal has been observed in individual(s) with Tangier disease (PMID: 22959828). This variant is also known as c.1758_1759insG. For these reasons, this variant has been classified as Pathogenic.

Literature cited by the submitters: PubMed 10525055; PubMed 10760292; PubMed 20880529; PubMed 22959828.

NM_005502.4(ABCA1):c.1758dup (p.Arg587fs)

Gene: ABCA1 (ATP binding cassette subfamily A member 1; minus strand). Cytogenetic location: 9q31.1.
Variant type: Duplication.
Coding change: c.1758dup on transcript NM_005502.4 (MANE Select); coding-DNA position 1758, one base duplicated (G; older notation c.1758dupG).
Protein change: p.Arg587fs; shifts the reading frame from arginine 587.
Molecular consequence: frameshift variant.
Genome position (GRCh38, 1-based): chr9:104,831,059, C duplicated on the plus strand (G on the coding strand, the reverse complement: ABCA1 is on the minus strand). VCF-style (leftmost placement, unchanged base first): chr9-104831058-G-GC. GRCh37 (hg19) VCF-style: chr9-107593339-G-GC.
Other names: short protein forms R587fs.
Identifiers: ClinVar variation 4709686 (VCV004709686.1).